The following is an entry in ClinVar:

ClinVar aggregate classification (germline): Pathogenic/Likely pathogenic. Review status: criteria provided, multiple submitters, no conflicts (2 of 4 stars). 6 submissions from 6 submitters: Pathogenic (5); Likely pathogenic (1). Last evaluated 2025-03-31.

Conditions:
PALB2-related disorder. Also called: PALB2-related condition; PALB2-related disorders.
Hereditary cancer-predisposing syndrome. Also called: Tumor predisposition; Hereditary Cancer Syndrome; Hereditary neoplastic syndrome; Neoplastic Syndromes, Hereditary. Identifiers: Orphanet 140162, MedGen C0027672, MeSH D009386, MONDO:0015356.
Familial cancer of breast. Also called: BREAST CANCER, FAMILIAL; Hereditary breast cancer; hereditary breast carcinoma. Identifiers: Orphanet 227535, MedGen C0346153, MONDO:0016419, OMIM 114480. Disease mechanism: loss of function.

Submissions (6):

Labcorp Genetics (formerly Invitae), Labcorp
Classification: Pathogenic for Familial cancer of breast. Last evaluated: 2025-03-31. Review status: criteria provided, single submitter. Criteria: Invitae Variant Classification Sherloc (09022015). Collection method: clinical testing. Allele origin: germline.
Comment: This sequence change creates a premature translational stop signal (p.Ser518*) in the PALB2 gene. It is expected to result in an absent or disrupted protein product. Loss-of-function variants in PALB2 are known to be pathogenic (PMID: 17200668, 17200671, 17200672, 24136930, 25099575). This variant is not present in population databases (gnomAD no frequency). This variant has not been reported in the literature in individuals affected with PALB2-related conditions. ClinVar contains an entry for this variant (Variation ID: 410213). For these reasons, this variant has been classified as Pathogenic.

Revvity Omics, Revvity
Classification: Likely pathogenic. Last evaluated: 2025-03-27. Review status: criteria provided, single submitter. Criteria: ACMG Guidelines, 2015. Collection method: clinical testing. Allele origin: germline.

Myriad Genetics, Inc.
Classification: Pathogenic for Familial cancer of breast. Last evaluated: 2023-09-11. Review status: criteria provided, single submitter. Criteria: Myriad Autosomal Dominant, Autosomal Recessive and X-Linked Classification Criteria (2023). Collection method: clinical testing. Allele origin: unknown.
Comment: This variant is considered pathogenic. This variant creates a termination codon and is predicted to result in premature protein truncation.

Illumina Laboratory Services, Illumina
Classification: Pathogenic. Last evaluated: 2023-05-30. Review status: criteria provided, single submitter. Criteria: ICSLVariantClassificationCriteria RUGD 01 April 2020. Collection method: clinical testing. Allele origin: unknown.
Comment: The PALB2 c.1553C>G (p.Ser518Ter) nonsense variant results in the loss of normal protein function through either protein truncation or nonsense-mediated mRNA decay. To our knowledge, this variant has not been reported in the peer-reviewed literature. This variant is not observed in version 2.1.1 or version 3.1.2 of the Genome Aggregation Database. The c.1553C>G variant has been classified as pathogenic by at least three submitters in ClinVar. Based on the available evidence, the c.1553C>G (p.Ser518Ter) variant is classified as pathogenic for PALB2-related cancer susceptibility.

Ambry Genetics
Classification: Pathogenic for Hereditary cancer-predisposing syndrome. Last evaluated: 2022-07-05. Review status: criteria provided, single submitter. Criteria: Ambry Variant Classification Scheme 2023. Collection method: clinical testing. Allele origin: germline.
Comment: The p.S518* pathogenic mutation (also known as c.1553C>G), located in coding exon 4 of the PALB2 gene, results from a C to G substitution at nucleotide position 1553. This changes the amino acid from a serine to a stop codon within coding exon 4. This alteration is expected to result in loss of function by premature protein truncation or nonsense-mediated mRNA decay. As such, this alteration is interpreted as a disease-causing mutation.

Color Diagnostics, LLC DBA Color Health
Classification: Pathogenic for Hereditary cancer-predisposing syndrome. Last evaluated: 2020-11-23. Review status: criteria provided, single submitter. Criteria: ACMG Guidelines, 2015. Collection method: clinical testing. Allele origin: germline.
Comment: This variant changes 1 nucleotide in exon 4 of the PALB2 gene, creating a premature translation stop signal. This variant is expected to result in an absent or non-functional protein product. To our knowledge, this variant has not been reported in individuals affected with hereditary cancer in the literature. This variant has not been identified in the general population by the Genome Aggregation Database (gnomAD). Loss of PALB2 function is a known mechanism of disease. Based on the available evidence, this variant is classified as Pathogenic.

Literature cited by the submitters: PubMed 17200668 (cited by Labcorp Genetics (formerly Invitae), Labcorp); PubMed 17200671 (cited by Labcorp Genetics (formerly Invitae), Labcorp); PubMed 17200672 (cited by Labcorp Genetics (formerly Invitae), Labcorp); PubMed 24136930 (cited by Labcorp Genetics (formerly Invitae), Labcorp); PubMed 25099575 (cited by Labcorp Genetics (formerly Invitae), Labcorp).

NM_024675.4(PALB2):c.1553C>G (p.Ser518Ter)

Gene: PALB2 (partner and localizer of BRCA2; minus strand). Cytogenetic location: 16p12.2.
Variant type: single nucleotide variant.
Coding change: c.1553C>G on transcript NM_024675.4 (MANE Select); coding-DNA position 1553, C replaced by G.
Protein change: p.Ser518Ter; replaces serine 518 with a stop codon.
Molecular consequence: nonsense.
Genome position (GRCh38, 1-based): chr16:23,634,993, G>C on the plus strand (C>G on the coding strand, the complement: PALB2 is on the minus strand). VCF-style: chr16-23634993-G-C. GRCh37 (hg19) VCF-style: chr16-23646314-G-C.
Other names: short protein forms S518*.
Identifiers: ClinVar variation 410213 (VCV000410213.20), dbSNP rs1060502805, ClinGen allele CA16614852.